The following is an entry in ClinVar:

NM_002087.4(GRN):c.1227del (p.Cys410fs)

Gene: GRN (granulin precursor; plus strand). Cytogenetic location: 17q21.31.
Variant type: Deletion.
Coding change: c.1227del on transcript NM_002087.4 (MANE Select); coding-DNA position 1227, one base deleted (G; older notation c.1227delG).
Protein change: p.Cys410fs; shifts the reading frame from cysteine 410.
Molecular consequence: frameshift variant.
Genome position (GRCh38, 1-based): chr17:44,352,062, G deleted. VCF-style (leftmost placement, unchanged base first): chr17-44352061-CG-C. GRCh37 (hg19) VCF-style: chr17-42429429-CG-C.
Other names: short protein forms C410fs.
Identifiers: ClinVar variation 2942159 (VCV002942159.3), dbSNP rs2510057852, ClinGen allele CA2740093759.
Genomic context (GRCh38, chr17:44,352,061, plus strand): 5'-TGCCCACCCCCCAGGCTGTCTGCTGCTCGGACCACCAGCACTGCTGCCCCCAGGGCTACA[CG>C]TGTGTAGCTGAGGGGCAGTGTCAGCGAGGAAGCGAGATCGTGGCTGGACTGGAGAAGATG-3'

ClinVar aggregate classification (germline): Pathogenic (1 of 4 stars; one submission).

Conditions:
GRN-related frontotemporal lobar degeneration with Tdp43 inclusions (FTD2). Also called: DEMENTIA, HEREDITARY DYSPHASIC DISINHIBITION; FRONTOTEMPORAL LOBAR DEGENERATION WITH UBIQUITIN-POSITIVE INCLUSIONS; FTLD-TDP, GRN-RELATED; GRN Frontotemporal Dementia; FRONTOTEMPORAL DEMENTIA WITH TDP43 INCLUSIONS, GRN-RELATED. Identifiers: Orphanet 100070, Orphanet 282, MedGen C1843792, MONDO:0011842, OMIM 607485. Disease mechanism: loss of function.
Neuronal ceroid lipofuscinosis 11. Also called: GRN-Related Neuronal Ceroid-Lipofuscinosis. Identifiers: Orphanet 314629, Orphanet 79262, MedGen C3539123, MONDO:0013866, OMIM 614706.

Submission:

Labcorp Genetics (formerly Invitae), Labcorp
Classification: Pathogenic for Neuronal ceroid lipofuscinosis 11; GRN-related frontotemporal lobar degeneration with Tdp43 inclusions. Last evaluated: 2022-12-08. Review status: criteria provided, single submitter. Criteria: Invitae Variant Classification Sherloc (09022015). Collection method: clinical testing. Allele origin: germline.
Comment: For these reasons, this variant has been classified as Pathogenic. This variant has not been reported in the literature in individuals affected with GRN-related conditions. This variant is not present in population databases (gnomAD no frequency). This sequence change creates a premature translational stop signal (p.Cys410Valfs*2) in the GRN gene. It is expected to result in an absent or disrupted protein product. Loss-of-function variants in GRN are known to be pathogenic (PMID: 16862116, 16950801, 22608501).

Literature cited by the submitters: PubMed 16862116; PubMed 16950801; PubMed 22608501.